The following is an entry in ClinVar:

ClinVar aggregate classification (germline): Uncertain significance (1 of 4 stars; one submission).

gnomAD v4.1: 1 of 1,614,210 alleles (0.000062%); highest among the groups gnomAD compares: Non-Finnish European, 0.000085%; no homozygotes.

Submission:

GeneDx
Classification: Uncertain significance. Last evaluated: 2025-03-23. Review status: criteria provided, single submitter. Criteria: GeneDx Variant Classification Process June 2021. Collection method: clinical testing. Allele origin: germline. Affected: yes.
Comment: Not observed at significant frequency in large population cohorts (gnomAD); In silico analysis supports that this missense variant has a deleterious effect on protein structure/function; Has not been previously published as pathogenic or benign to our knowledge

NM_014712.3(SETD1A):c.2983G>C (p.Asp995His)

Gene: SETD1A (SET domain containing 1A, histone lysine methyltransferase; plus strand). Cytogenetic location: 16p11.2.
Variant type: single nucleotide variant.
Coding change: c.2983G>C on transcript NM_014712.3 (MANE Select); coding-DNA position 2983, G replaced by C.
Protein change: p.Asp995His; replaces aspartic acid 995 with histidine.
Molecular consequence: missense variant.
Genome position (GRCh38, 1-based): chr16:30,969,656, G>C. VCF-style: chr16-30969656-G-C. GRCh37 (hg19) VCF-style: chr16-30980977-G-C.
Other names: short protein forms D995H.
Identifiers: ClinVar variation 4087892 (VCV004087892.1).